The following is an entry in ClinVar:

NM_002485.5(NBN):c.797C>T (p.Pro266Leu)

Gene: NBN (nibrin; minus strand). Cytogenetic location: 8q21.3.
Variant type: single nucleotide variant.
Coding change: c.797C>T on transcript NM_002485.5 (MANE Select); coding-DNA position 797, C replaced by T.
Protein change: p.Pro266Leu; replaces proline 266 with leucine.
Molecular consequence: missense variant.
Genome position (GRCh38, 1-based): chr8:89,970,463, G>A on the plus strand (C>T on the coding strand, the complement: NBN is on the minus strand). VCF-style: chr8-89970463-G-A. GRCh37 (hg19) VCF-style: chr8-90982691-G-A.
Other names: p.P266L:CCG>CTG; NP_002476.2:p.Pro266Leu; c.551C>T, p.Pro184Leu (NM_001024688.3); short protein forms P266L, P184L.
Identifiers: ClinVar variation 134878 (VCV000134878.71), dbSNP rs769420, ClinGen allele CA161002.
Genomic context (GRCh38, chr8:89,970,463, plus strand): 5'-TGACAGTCAGGAATTAAGGTCTGTGAGTTTGTTATTCCTGTATCAACAACACACGTTCCC[G>A]GAGCCAAAAAGAAATTATGTTCTTCTTCATTCTCTTCTGTTATCAACCTAGCTTCCCCAC-3'
Protein context (NP_002476.2, residues 256-276): NEEEHNFFLA[Pro266Leu]GTCVVDTGIT

ClinVar aggregate classification (germline): Benign/Likely benign. Review status: criteria provided, multiple submitters, no conflicts (2 of 4 stars). 21 submissions from 20 submitters: Benign (15); Likely benign (2). 4 of the submissions do not count toward it. Last evaluated 2026-09-01.

Conditions:
Microcephaly, normal intelligence and immunodeficiency (NBS). Also called: IMMUNODEFICIENCY, MICROCEPHALY, AND CHROMOSOMAL INSTABILITY; BERLIN BREAKAGE SYNDROME; Immunodeficiency, microcephaly with normal intelligence; SEEMANOVA SYNDROME II; Nijmegen breakage syndrome; Microcephaly with normal intelligence immunodeficiency and lymphoreticular malignancies. Identifiers: Orphanet 647, MedGen C0398791, MONDO:0009623, OMIM 251260.
Acute lymphoid leukemia (ALL). Also called: Lymphoblastic leukemia; Leukemia, acute lymphoblastic, somatic; Acute lymphoblastic leukemia; Acute lymphocytic leukemia. Identifiers: Orphanet 513, MedGen C0023449, MONDO:0004967, OMIM 613065, HP:0006721.
Aplastic anemia. Identifiers: Orphanet 182040, Orphanet 88, MedGen C0002874, MONDO:0015909, OMIM 609135, HP:0001915.
Hereditary cancer-predisposing syndrome. Also called: Neoplastic Syndromes, Hereditary; Tumor predisposition; Hereditary neoplastic syndrome; Hereditary Cancer Syndrome. Identifiers: Orphanet 140162, MedGen C0027672, MeSH D009386, MONDO:0015356.
Hereditary breast ovarian cancer syndrome. Also called: Breast and ovarian cancer; BRCA1- and BRCA2-Associated Hereditary Breast and Ovarian Cancer; Hereditary breast and/or ovarian cancer syndrome; Hereditary breast and ovarian cancer syndrome; Hereditary breast and ovarian cancer; Hereditary breast and ovarian cancer syndrome (HBOC). Identifiers: Orphanet 145, MedGen C0677776, MeSH D061325, MONDO:0003582. Disease mechanism: loss of function.

Allele frequency attached by ClinVar (database versions not stated): gnomAD 0.00890 and 0.00955; TOPMed 0.00975; ESP Exome Variant Server 0.01023; gnomAD exomes 0.00085 and 0.00219; ExAC 0.00257; 1000 Genomes Project 0.00779; 1000 Genomes Project 30x 0.00859.
gnomAD v4.1: 2,628 of 1,613,812 alleles (0.16%); highest among the groups gnomAD compares: African/African-American, 3.2%; 41 homozygotes.

Submissions (21):

CeGaT Center for Human Genetics Tuebingen
Classification: Benign. Last evaluated: 2026-09-01. Review status: criteria provided, single submitter. Criteria: CeGaT Center For Human Genetics Tuebingen Variant Classification Criteria Version 2. Collection method: clinical testing. Allele origin: germline. Affected: yes. Observed: 8 variant alleles.
Comment: NBN: BP4, BS1, BS2

Labcorp Genetics (formerly Invitae), Labcorp
Classification: Benign for Microcephaly, normal intelligence and immunodeficiency. Last evaluated: 2026-02-04. Review status: criteria provided, single submitter. Criteria: Invitae Variant Classification Sherloc (09022015). Collection method: clinical testing. Allele origin: germline.

Dasa
Classification: Benign. Last evaluated: 2025-11-06. Review status: criteria provided, single submitter. Criteria: DASA Assertion Criteria. Collection method: clinical testing. Allele origin: germline.
Comment: NM_002485.5(NBN):c.797C>T (p.Pro266Leu) is interpreted as benign based on a combination of available evidence, which may include population frequency, observations in unaffected individuals, intact protein function, lack of segregation with disease, in silico models, amino acid conservation, lack of disease association in case-control studies, and/or inconsistency with the known disease mechanism or impacted region. Based on the available data, this variant is classified as benign.

ARUP Laboratories, Molecular Genetics and Genomics, ARUP Laboratories
Classification: Benign. Last evaluated: 2025-07-08. Review status: criteria provided, single submitter. Criteria: ARUP Molecular Germline Variant Investigation Process 2024. Collection method: clinical testing. Allele origin: germline.

KCCC/NGS Laboratory, Kuwait Cancer Control Center
Classification: Benign for Microcephaly, normal intelligence and immunodeficiency. Last evaluated: 2025-02-01. Review status: criteria provided, single submitter. Criteria: ACMG Guidelines, 2015. Collection method: clinical testing. Allele origin: germline. Affected: no.

Blueprint Genetics
Classification: Likely benign. Last evaluated: 2024-11-21. Review status: criteria provided, single submitter. Criteria: ACMG Guidelines, 2015. Collection method: clinical testing. Allele origin: germline.

KCCC/NGS Laboratory, Kuwait Cancer Control Center
Classification: Benign for Acute lymphoid leukemia. Last evaluated: 2023-07-07. Review status: criteria provided, single submitter. Criteria: ACMG Guidelines, 2015. Collection method: clinical testing. Allele origin: germline. Affected: yes.

National Health Laboratory Service, Universitas Academic Hospital and University of the Free State
Classification: Benign for Hereditary breast ovarian cancer syndrome. Last evaluated: 2022-04-19. Review status: criteria provided, single submitter. Criteria: ACMG Guidelines, 2015. Collection method: clinical testing. Allele origin: germline. Affected: yes. Observed: 8 variant alleles.

Fulgent Genetics
Classification: Likely benign for Microcephaly, normal intelligence and immunodeficiency; Aplastic anemia; Acute lymphoid leukemia. Last evaluated: 2021-10-07. Review status: criteria provided, single submitter. Criteria: ACMG Guidelines, 2015. Collection method: clinical testing. Allele origin: unknown.

Quest Diagnostics Nichols Institute San Juan Capistrano
Classification: Benign. Last evaluated: 2020-10-28. Review status: criteria provided, single submitter. Criteria: Quest Diagnostics criteria. Collection method: clinical testing. Allele origin: unknown.

Sema4
Classification: Benign for Hereditary cancer-predisposing syndrome. Last evaluated: 2020-05-21. Review status: criteria provided, single submitter. Criteria: Sema4 Curation Guidelines. Collection method: curation. Allele origin: germline.

PreventionGenetics, part of Exact Sciences
Classification: Benign. Last evaluated: 2017-10-11. Review status: criteria provided, single submitter. Criteria: ACMG Guidelines, 2015. Collection method: clinical testing. Allele origin: germline.

Illumina Laboratory Services, Illumina
Classification: Benign for Microcephaly, normal intelligence and immunodeficiency. Last evaluated: 2017-04-28. Review status: criteria provided, single submitter. Criteria: ICSL Variant Classification Criteria 13 December 2019. Collection method: clinical testing. Allele origin: germline.
Comment: This variant was observed as part of a predisposition screen in an ostensibly healthy population. A literature search was performed for the gene, cDNA change, and amino acid change (where applicable). Publications were found based on this search. The evidence from the literature, in combination with allele frequency data from public databases where available, was sufficient to rule this variant out of causing disease. Therefore, this variant is classified as benign.

Center for Pediatric Genomic Medicine, Children's Mercy Hospital and Clinics
Classification: Benign. Last evaluated: 2016-12-30. Review status: criteria provided, single submitter. Criteria: ACMG Guidelines, 2015. Collection method: clinical testing. Allele origin: germline.

Ambry Genetics
Classification: Benign for Hereditary cancer-predisposing syndrome. Last evaluated: 2014-12-12. Review status: criteria provided, single submitter. Criteria: Ambry Variant Classification Scheme 2023. Collection method: clinical testing. Allele origin: germline.

GeneDx
Classification: Benign. Last evaluated: 2014-02-05. Review status: criteria provided, single submitter. Criteria: GeneDx Variant Classification (06012015). Collection method: clinical testing. Allele origin: germline. Affected: yes.
Comment: This variant is considered likely benign or benign based on one or more of the following criteria: it is a conservative change, it occurs at a poorly conserved position in the protein, it is predicted to be benign by multiple in silico algorithms, and/or has population frequency not consistent with disease.

Breakthrough Genomics
Classification: Benign. Review status: criteria provided, single submitter. Criteria: ACMG Guidelines, 2015. Collection method: not provided. Allele origin: germline. Inheritance: Autosomal recessive inheritance. Affected: yes.

Natera, Inc.
Classification: Likely benign for Nijmegen breakage syndrome. Last evaluated: 2019-11-12. Review status: no assertion criteria provided. Collection method: clinical testing. Allele origin: germline. Not counted in ClinVar's aggregate classification.

True Health Diagnostics
Classification: Likely benign for Hereditary cancer-predisposing syndrome. Last evaluated: 2018-02-20. Review status: no assertion criteria provided. Collection method: clinical testing. Allele origin: germline. Not counted in ClinVar's aggregate classification.

ITMI
No classification provided. Condition: AllHighlyPenetrant. Last evaluated: 2013-09-19. Review status: no classification provided. Collection method: reference population. Allele origin: germline. Not counted in ClinVar's aggregate classification.
Comment: Please see associated publication for description of ethnicities

Department of Pathology and Laboratory Medicine, Sinai Health System
Classification: Benign. Review status: no assertion criteria provided. Collection method: clinical testing. Allele origin: unknown. Affected: yes. Study: The Canadian Open Genetics Repository (COGR). Not counted in ClinVar's aggregate classification.
Comment: The NBN p.Pro266Leu variant was identified in 14 of 2874 proband chromosomes (frequency: 0.005) from individuals or families with various types of cancer and was present in 4 of 1362 control chromosomes (frequency: 0.003) from healthy individuals (Berg 2013, Bodian 2014, Desjardins 2009, Yurgelun 2015). The variant was also identified in the following databases: dbSNP (ID: rs769420) as "With Benign allele", ClinVar (5x benign), Clinvitae (4x benign), and the Zhejiang Colon Cancer Database (1x). The variant was not identified in Cosmic or the LOVD 3.0 database. The variant was identified in control databases in 771 of 276952 chromosomes (11 homozygous) at a frequency of 0.003 increasing the likelihood this could be a low frequency benign variant (Genome Aggregation Database Feb 27, 2017). Breakdown of the observations by population include African in 705 of 24006 chromosomes (freq: 0.03), Other in 5 of 6454 chromosomes (freq: 0.0008), Latino in 44 of 34382 chromosomes (freq: 0.001), European in 4 of 126556 chromosomes (freq: 0.00003), East Asian in 9 of 18864 chromosomes (freq: 0.0005), and South Asian in 4 of 30776 chromosomes (freq: 0.0001). The variant was not observed in the Ashkenazi Jewish or Finnish populations. Various studies utilizing computational algorithms, personal disease history, and family disease history have been performed; most of these studies conclude the variant is not associated with cancer (Berg 2013, Berardinelli 2013, Bodian 2014, Desjardins 2009, Gao 2013, Yurgelun 2015). The p.Pro266 residue is conserved in mammals but not in more distantly related organisms, and four out of five computational analyses (PolyPhen-2, SIFT, AlignGVGD, BLOSUM, MutationTaster) suggest that the leucine variant may impact the protein; however, this information is not predictive enough to assume pathogenicity. The variant occurs outside of the splicing consensus sequence and in silico or computational prediction software programs (SpliceSiteFinder, MaxEntScan, NNSPLICE, GeneSplicer, HumanSpliceFinder) do not predict a difference in splicing. In summary, based on the above information the clinical significance of this variant cannot be determined with certainty at this time although we would lean towards a more benign role for this variant. This variant is classified as likely benign.

Literature cited by the submitters: PubMed 19523210 (cited by Quest Diagnostics Nichols Institute San Juan Capistrano and Illumina Laboratory Services, Illumina); PubMed 25980754 (cited by Quest Diagnostics Nichols Institute San Juan Capistrano); PubMed 22995991 (cited by Quest Diagnostics Nichols Institute San Juan Capistrano and Illumina Laboratory Services, Illumina); PubMed 24728327 (cited by 3 submitters); PubMed 24113799 (cited by Quest Diagnostics Nichols Institute San Juan Capistrano and Illumina Laboratory Services, Illumina); PubMed 27153395 (cited by Quest Diagnostics Nichols Institute San Juan Capistrano); PubMed 12353271 (cited by Illumina Laboratory Services, Illumina); PubMed 18638378 (cited by Illumina Laboratory Services, Illumina).